The following is an entry in ClinVar:

ClinVar aggregate classification (germline): Uncertain significance. Review status: criteria provided, multiple submitters, no conflicts (2 of 4 stars). 11 submissions from 11 submitters: Uncertain significance (8). 3 of the submissions do not count toward it. Last evaluated 2025-07-30.

Conditions:
DYSF-related disorder. Also called: DYSF-related condition; DYSF-related disorders.
Autosomal recessive limb-girdle muscular dystrophy. Identifiers: Orphanet 102015, MedGen C2931907, MONDO:0015152.
Inborn genetic diseases. Identifiers: MedGen C0950123, MeSH D030342.
Neuromuscular disease caused by qualitative or quantitative defects of dysferlin. Also called: Dysferlinopathy; Qualitative or quantitative defects of dysferlin. Identifiers: Orphanet 207073, MedGen C2931687, MONDO:0016145.
Autosomal recessive limb-girdle muscular dystrophy type 2B (LGMDR2). Also called: MUSCULAR DYSTROPHY, LIMB-GIRDLE, TYPE 3; MUSCULAR DYSTROPHY, LIMB-GIRDLE, AUTOSOMAL RECESSIVE 2; Limb-Girdle Muscular Dystrophy Type 2B (LGMD2B); Limb-girdle muscular dystrophy, type 2B. Identifiers: Orphanet 268, MedGen C1850889, MONDO:0009676, OMIM 253601.

Allele frequency attached by ClinVar (database versions not stated): ExAC 0.00010; gnomAD exomes 0.00013; gnomAD 0.00014; TOPMed 0.00036; 1000 Genomes Project 0.00060; 1000 Genomes Project 30x 0.00062.

Submissions (11):

Myriad Genetics, Inc.
Classification: Uncertain significance for Autosomal recessive limb-girdle muscular dystrophy. Last evaluated: 2025-07-30. Review status: criteria provided, single submitter. Criteria: Myriad Autosomal Dominant, Autosomal Recessive and X-Linked Classification Criteria (2023). Collection method: clinical testing. Allele origin: unknown.
Comment: NM_003494.3(DYSF):c.5371C>T(P1791S) is a missense variant classified as a variant of uncertain significance in the context of dysferlinopathy. P1791S has been observed in a case with relevant disease (PMID: 39678382). Relevant functional assessments of this variant are not available in the literature. P1791S has been observed in referenced population frequency databases. In summary, there is insufficient evidence to classify NM_003494.3(DYSF):c.5371C>T(P1791S) as pathogenic or benign. Please note: this variant was assessed in the context of healthy population screening.

GeneDx
Classification: Uncertain significance. Last evaluated: 2025-02-09. Review status: criteria provided, single submitter. Criteria: GeneDx Variant Classification Process June 2021. Collection method: clinical testing. Allele origin: germline. Affected: yes.
Comment: In silico analysis supports that this missense variant has a deleterious effect on protein structure/function; Has not been previously published as pathogenic or benign to our knowledge

Revvity Omics, Revvity
Classification: Uncertain significance. Last evaluated: 2024-01-18. Review status: criteria provided, single submitter. Criteria: ACMG Guidelines, 2015. Collection method: clinical testing. Allele origin: germline.

Ambry Genetics
Classification: Uncertain significance for Inborn genetic diseases. Last evaluated: 2024-01-04. Review status: criteria provided, single submitter. Criteria: Ambry Variant Classification Scheme 2023. Collection method: clinical testing. Allele origin: germline.

Blueprint Genetics
Classification: Uncertain significance. Last evaluated: 2023-12-29. Review status: criteria provided, single submitter. Criteria: ACMG Guidelines, 2015. Collection method: clinical testing. Allele origin: germline.

Labcorp Genetics (formerly Invitae), Labcorp
Classification: Uncertain significance for Neuromuscular disease caused by qualitative or quantitative defects of dysferlin. Last evaluated: 2022-10-19. Review status: criteria provided, single submitter. Criteria: Invitae Variant Classification Sherloc (09022015). Collection method: clinical testing. Allele origin: germline.
Comment: This sequence change replaces proline, which is neutral and non-polar, with serine, which is neutral and polar, at codon 1791 of the DYSF protein (p.Pro1791Ser). This variant is present in population databases (rs145832952, gnomAD 0.03%). This variant has not been reported in the literature in individuals affected with DYSF-related conditions. ClinVar contains an entry for this variant (Variation ID: 69635). Advanced modeling of protein sequence and biophysical properties (such as structural, functional, and spatial information, amino acid conservation, physicochemical variation, residue mobility, and thermodynamic stability) has been performed at Invitae for this missense variant, however the output from this modeling did not meet the statistical confidence thresholds required to predict the impact of this variant on DYSF protein function. In summary, the available evidence is currently insufficient to determine the role of this variant in disease. Therefore, it has been classified as a Variant of Uncertain Significance.

Illumina Laboratory Services, Illumina
Classification: Uncertain significance for Qualitative or quantitative defects of dysferlin. Last evaluated: 2017-04-27. Review status: criteria provided, single submitter. Criteria: ICSL Variant Classification Criteria 13 December 2019. Collection method: clinical testing. Allele origin: germline.

Eurofins Ntd Llc (ga)
Classification: Uncertain significance. Last evaluated: 2016-12-29. Review status: criteria provided, single submitter. Criteria: EGL Classification Definitions 2015. Collection method: clinical testing. Allele origin: germline. Observed: 2 variant alleles, 2 heterozygotes.

PreventionGenetics, part of Exact Sciences
Classification: Uncertain significance for DYSF-related condition. Last evaluated: 2024-03-23. Review status: no assertion criteria provided. Collection method: clinical testing. Allele origin: germline. Not counted in ClinVar's aggregate classification.
Comment: The DYSF c.5371C>T variant is predicted to result in the amino acid substitution p.Pro1791Ser. To our knowledge, this variant has not been reported in the literature. This variant is reported in 0.028% of alleles in individuals of Latino descent in gnomAD. At this time, the clinical significance of this variant is uncertain due to the absence of conclusive functional and genetic evidence.

Natera, Inc.
Classification: Uncertain significance for Limb-girdle muscular dystrophy type 2B. Last evaluated: 2020-01-17. Review status: no assertion criteria provided. Collection method: clinical testing. Allele origin: germline. Not counted in ClinVar's aggregate classification.

Counsyl
Classification: Uncertain significance for Autosomal recessive limb-girdle muscular dystrophy type 2B. Last evaluated: 2017-03-15. Review status: no assertion criteria provided. Collection method: clinical testing. Allele origin: unknown. Not counted in ClinVar's aggregate classification.

Literature cited by the submitters: PubMed 39678382 (cited by Myriad Genetics, Inc.).

NM_001130987.2(DYSF):c.5488C>T (p.Pro1830Ser)

Gene: DYSF (dysferlin; plus strand). Cytogenetic location: 2p13.2.
Variant type: single nucleotide variant.
Coding change: c.5488C>T on transcript NM_001130987.2 (MANE Select); coding-DNA position 5488, C replaced by T.
Protein change: p.Pro1830Ser; replaces proline 1830 with serine.
Molecular consequence: missense variant.
Genome position (GRCh38, 1-based): chr2:71,668,784, C>T. VCF-style: chr2-71668784-C-T. GRCh37 (hg19) VCF-style: chr2-71895914-C-T.
Other names: c.5374C>T, p.Pro1792Ser (NM_001130455.2); c.5329C>T, p.Pro1777Ser (NM_001130976.2); c.5392C>T, p.Pro1798Ser (NM_001130977.2); c.5434C>T, p.Pro1812Ser (NM_001130978.2); c.5464C>T, p.Pro1822Ser (NM_001130979.2); c.5422C>T, p.Pro1808Ser (NM_001130980.2); c.5485C>T, p.Pro1829Ser (NM_001130981.2); c.5467C>T, p.Pro1823Ser (NM_001130982.2); and 5 more; short protein forms P1812S, P1777S, P1778S, P1791S, P1792S, P1798S, P1799S, P1808S.
Identifiers: ClinVar variation 69635 (VCV000069635.25), dbSNP rs145832952, ClinGen allele CA1707399.